The following is an entry in ClinVar:

ClinVar aggregate classification (germline): Uncertain significance (1 of 4 stars; one submission).

Submission:

GeneDx
Classification: Uncertain significance. Last evaluated: 2024-07-31. Review status: criteria provided, single submitter. Criteria: GeneDx Variant Classification Process June 2021. Collection method: clinical testing. Allele origin: germline. Affected: yes.
Comment: Not observed at significant frequency in large population cohorts (gnomAD); In silico analysis indicates that this missense variant does not alter protein structure/function; Has not been previously published as pathogenic or benign to our knowledge

NM_005499.3(UBA2):c.983C>T (p.Thr328Ile)

Gene: UBA2 (ubiquitin like modifier activating enzyme 2; plus strand). Cytogenetic location: 19q13.11.
Variant type: single nucleotide variant.
Coding change: c.983C>T on transcript NM_005499.3 (MANE Select); coding-DNA position 983, C replaced by T.
Protein change: p.Thr328Ile; replaces threonine 328 with isoleucine.
Molecular consequence: missense variant.
Genome position (GRCh38, 1-based): chr19:34,452,092, C>T. VCF-style: chr19-34452092-C-T. GRCh37 (hg19) VCF-style: chr19-34942997-C-T.
Other names: c.695C>T, p.Thr232Ile (NM_001411139.1); short protein forms T232I, T328I.
Identifiers: ClinVar variation 3602374 (VCV003602374.1).